The following is an entry in ClinVar:

NM_002397.5(MEF2C):c.589+57A>C

Gene: MEF2C (myocyte enhancer factor 2C; minus strand). Cytogenetic location: 5q14.3.
Variant type: single nucleotide variant.
Coding change: c.589+57A>C on transcript NM_002397.5 (MANE Select); 57 bases into the intron after coding-DNA position 589, A replaced by C.
Molecular consequence: intron variant.
Genome position (GRCh38, 1-based): chr5:88,751,800, T>G on the plus strand (A>C on the coding strand, the complement: MEF2C is on the minus strand). VCF-style: chr5-88751800-T-G. GRCh37 (hg19) VCF-style: chr5-88047617-T-G.
Other names: c.589+57A>C (NM_001364329.2, NM_001364330.2, NM_001364333.2 and 18 more transcripts); c.445+57A>C (NM_001364344.2, NM_001364354.2, NM_001364332.2 and 3 more transcripts); c.211+57A>C (NM_001364353.2, NM_001364356.2); c.583+57A>C (NM_001131005.2, NM_001364352.2, NM_001364343.2); c.643+57A>C (NM_001193347.1, NM_001364338.2); c.163+57A>C (NM_001364357.2).
Identifiers: ClinVar variation 670924 (VCV000670924.2), dbSNP rs3729703, ClinGen allele CA122610877.

ClinVar aggregate classification (germline): Likely benign. Review status: criteria provided, multiple submitters, no conflicts (2 of 4 stars). 2 submissions from 2 submitters: Likely benign (2). Last evaluated 2018-06-14.

Allele frequency attached by ClinVar (database versions not stated): 1000 Genomes Project 0.00539; 1000 Genomes Project 30x 0.00578; gnomAD 0.01262 and 0.01312; TOPMed 0.01323; gnomAD exomes 0.01742.
gnomAD v4.1: 26,227 of 1,558,746 alleles (1.7%); highest among the groups gnomAD compares: Non-Finnish European, 2.1%; 286 homozygotes.

Submissions (2):

GeneDx
Classification: Likely benign. Last evaluated: 2018-06-14. Review status: criteria provided, single submitter. Criteria: GeneDx Variant Classification (06012015). Collection method: clinical testing. Allele origin: germline. Affected: yes.
Comment: This variant is considered likely benign or benign based on one or more of the following criteria: it is a conservative change, it occurs at a poorly conserved position in the protein, it is predicted to be benign by multiple in silico algorithms, and/or has population frequency not consistent with disease.

Breakthrough Genomics
Classification: Likely benign. Review status: criteria provided, single submitter. Criteria: ACMG Guidelines, 2015. Collection method: not provided. Allele origin: germline. Inheritance: Autosomal dominant inheritance. Affected: yes.